The following is an entry in ClinVar:

NM_152393.4(KLHL40):c.1263G>C (p.Glu421Asp)

Gene: KLHL40 (kelch like family member 40; plus strand). Cytogenetic location: 3p22.1.
Variant type: single nucleotide variant.
Coding change: c.1263G>C on transcript NM_152393.4 (MANE Select); coding-DNA position 1263, G replaced by C.
Protein change: p.Glu421Asp; replaces glutamic acid 421 with aspartic acid.
Molecular consequence: missense variant.
Genome position (GRCh38, 1-based): chr3:42,688,252, G>C. VCF-style: chr3-42688252-G-C. GRCh37 (hg19) VCF-style: chr3-42729744-G-C.
Other names: short protein forms E421D.
Identifiers: ClinVar variation 1478732 (VCV001478732.6), dbSNP rs771421442, ClinGen allele CA352293543.

ClinVar aggregate classification (germline): Uncertain significance (1 of 4 stars; one submission).

Conditions:
Nemaline myopathy 8 (NEM8). Also called: Nemaline myopathy 8, autosomal recessive. Identifiers: Orphanet 171430, MedGen C3809209, MONDO:0014138, OMIM 615348.

Submission:

Labcorp Genetics (formerly Invitae), Labcorp
Classification: Uncertain significance for Nemaline myopathy 8. Last evaluated: 2022-09-13. Review status: criteria provided, single submitter. Criteria: Invitae Variant Classification Sherloc (09022015). Collection method: clinical testing. Allele origin: germline.
Comment: In summary, the available evidence is currently insufficient to determine the role of this variant in disease. Therefore, it has been classified as a Variant of Uncertain Significance. This sequence change replaces glutamic acid, which is acidic and polar, with aspartic acid, which is acidic and polar, at codon 421 of the KLHL40 protein (p.Glu421Asp). This variant is not present in population databases (gnomAD no frequency). This variant has not been reported in the literature in individuals affected with KLHL40-related conditions. ClinVar contains an entry for this variant (Variation ID: 1478732). Advanced modeling of protein sequence and biophysical properties (such as structural, functional, and spatial information, amino acid conservation, physicochemical variation, residue mobility, and thermodynamic stability) performed at Invitae indicates that this missense variant is not expected to disrupt KLHL40 protein function.